The following is an entry in ClinVar:

ClinVar aggregate classification (germline): Conflicting classifications of pathogenicity. Review status: criteria provided, conflicting classifications (1 of 4 stars). 4 submissions from 4 submitters: Uncertain significance (2); Likely benign (2). Last evaluated 2025-03-04.

Conditions:
Hereditary cancer-predisposing syndrome. Also called: Neoplastic Syndromes, Hereditary; Hereditary neoplastic syndrome; Tumor predisposition; Hereditary Cancer Syndrome. Identifiers: Orphanet 140162, MedGen C0027672, MeSH D009386, MONDO:0015356.
Hereditary diffuse gastric adenocarcinoma (HDGC). Also called: DIFFUSE GASTRIC AND LOBULAR BREAST CANCER SYNDROME. Identifiers: Orphanet 26106, MedGen C1708349, MONDO:0007648, OMIM 137215.

Allele frequency attached by ClinVar (database versions not stated): gnomAD exomes 0.00001; ExAC 0.00002.
gnomAD v4.1: 5 of 1,612,060 alleles (0.00031%); highest among the groups gnomAD compares: Non-Finnish European, 0.00042%; no homozygotes.

Submissions (4):

Center for Genomic Medicine, Rigshospitalet, Copenhagen University Hospital
Classification: Uncertain significance. Last evaluated: 2025-03-04. Review status: criteria provided, single submitter. Criteria: ACMG Guidelines, 2015. Collection method: clinical testing. Allele origin: germline.

Labcorp Genetics (formerly Invitae), Labcorp
Classification: Uncertain significance for Hereditary diffuse gastric adenocarcinoma. Last evaluated: 2024-09-30. Review status: criteria provided, single submitter. Criteria: Invitae Variant Classification Sherloc (09022015). Collection method: clinical testing. Allele origin: germline.
Comment: This sequence change replaces threonine, which is neutral and polar, with alanine, which is neutral and non-polar, at codon 646 of the CDH1 protein (p.Thr646Ala). This variant is present in population databases (rs771064558, gnomAD 0.002%). This variant has not been reported in the literature in individuals affected with CDH1-related conditions. ClinVar contains an entry for this variant (Variation ID: 320266). An algorithm developed to predict the effect of missense changes on protein structure and function outputs the following: PolyPhen-2: "Benign". The alanine amino acid residue is found in multiple mammalian species, which suggests that this missense change does not adversely affect protein function. In summary, the available evidence is currently insufficient to determine the role of this variant in disease. Therefore, it has been classified as a Variant of Uncertain Significance.

Ambry Genetics
Classification: Likely benign for Hereditary cancer-predisposing syndrome. Last evaluated: 2018-06-22. Review status: criteria provided, single submitter. Criteria: Ambry Variant Classification Scheme 2023. Collection method: clinical testing. Allele origin: germline.

Illumina Laboratory Services, Illumina
Classification: Likely benign for Hereditary diffuse gastric adenocarcinoma. Last evaluated: 2018-01-13. Review status: criteria provided, single submitter. Criteria: ICSL Variant Classification Criteria 13 December 2019. Collection method: clinical testing. Allele origin: germline.
Comment: This variant was observed in the ICSL laboratory as part of a predisposition screen in an ostensibly healthy population. It had not been previously curated by ICSL or reported in the Human Gene Mutation Database (HGMD: prior to June 1st, 2018), and was therefore a candidate for classification through an automated scoring system. Utilizing variant allele frequency, disease prevalence and penetrance estimates, and inheritance mode, an automated score was calculated to assess if this variant is too frequent to cause the disease. Based on the score and internal cut-off values, a variant classified as likely benign is not then subjected to further curation. The score for this variant resulted in a classification of likely benign for this disease.

NM_004360.5(CDH1):c.1936A>G (p.Thr646Ala)

Gene: CDH1 (cadherin 1; plus strand). Cytogenetic location: 16q22.1.
Variant type: single nucleotide variant.
Coding change: c.1936A>G on transcript NM_004360.5 (MANE Select); coding-DNA position 1936, A replaced by G.
Protein change: p.Thr646Ala; replaces threonine 646 with alanine.
Molecular consequence: missense variant. On other transcripts: 5 prime UTR variant (1).
Genome position (GRCh38, 1-based): chr16:68,822,225, A>G. VCF-style: chr16-68822225-A-G. GRCh37 (hg19) VCF-style: chr16-68856128-A-G.
Other names: c.1753A>G, p.Thr585Ala (NM_001317184.2); c.388A>G, p.Thr130Ala (NM_001317185.2); c.-30A>G (NM_001317186.2); c.1936A>G (LRG_301t1); short protein forms T646A, T130A, T585A.
Identifiers: ClinVar variation 320266 (VCV000320266.21), dbSNP rs771064558, ClinGen allele CA8130166.